The following is an entry in ClinVar:

NM_004380.3(CREBBP):c.6395G>A (p.Gly2132Asp)

Gene: CREBBP (CREB binding lysine acetyltransferase; minus strand). Cytogenetic location: 16p13.3.
Variant type: single nucleotide variant.
Coding change: c.6395G>A on transcript NM_004380.3 (MANE Select); coding-DNA position 6395, G replaced by A.
Protein change: p.Gly2132Asp; replaces glycine 2132 with aspartic acid.
Molecular consequence: missense variant.
Genome position (GRCh38, 1-based): chr16:3,728,652, C>T on the plus strand (G>A on the coding strand, the complement: CREBBP is on the minus strand). VCF-style: chr16-3728652-C-T. GRCh37 (hg19) VCF-style: chr16-3778653-C-T.
Other names: c.6281G>A, p.Gly2094Asp (NM_001079846.1); c.6395G>A (NM_004380.2); short protein forms G2094D, G2132D.
Identifiers: ClinVar variation 3336250 (VCV003336250.2).

ClinVar aggregate classification (germline): Uncertain significance. Review status: criteria provided, single submitter (1 of 4 stars). 2 submissions from 2 submitters: Uncertain significance (1). 1 of the submissions does not count toward it. Last evaluated 2024-05-02.

Conditions:
CREBBP-related disorder. Also called: CREBBP-related condition; CREBBP-related disorders.

gnomAD v4.1: 1 of 1,613,538 alleles (0.000062%); highest among the groups gnomAD compares: Admixed American, 0.0017%; no homozygotes.

Submissions (2):

Women's Health and Genetics/Laboratory Corporation of America, LabCorp
Classification: Uncertain significance. Last evaluated: 2024-05-02. Review status: criteria provided, single submitter. Criteria: LabCorp Variant Classification Summary - May 2015. Collection method: clinical testing. Allele origin: germline.
Comment: Variant summary: CREBBP c.6395G>A (p.Gly2132Asp) results in a non-conservative amino acid change in the encoded protein sequence. Three of five in-silico tools predict a benign effect of the variant on protein function. The variant allele was found at a frequency of 4e-06 in 248546 control chromosomes. The available data on variant occurrences in the general population are insufficient to allow any conclusion about variant significance. To our knowledge, no occurrence of c.6395G>A in individuals affected with Rubinstein-Taybi Syndrome and no experimental evidence demonstrating its impact on protein function have been reported. No submitters have cited clinical-significance assessments for this variant to ClinVar. Based on the evidence outlined above, the variant was classified as uncertain significance.

PreventionGenetics, part of Exact Sciences
Classification: Uncertain significance for CREBBP-related condition. Last evaluated: 2024-05-24. Review status: no assertion criteria provided. Collection method: clinical testing. Allele origin: germline. Not counted in ClinVar's aggregate classification.
Comment: The CREBBP c.6395G>A variant is predicted to result in the amino acid substitution p.Gly2132Asp. To our knowledge, this variant has not been reported in the literature. This variant is reported in 0.0029% of alleles in individuals of Latino descent in gnomAD. At this time, the clinical significance of this variant is uncertain due to the absence of conclusive functional and genetic evidence.